The following is an entry in ClinVar:

ClinVar aggregate classification (germline): Likely pathogenic (1 of 4 stars; one submission).

Conditions:
Mitochondrial complex I deficiency, nuclear type 21. Also called: Mitochondrial complex 1 deficiency, nuclear type 21. Identifiers: MedGen C4748792, MONDO:0032625, OMIM 618242.

Submission:

Rady Children's Institute for Genomic Medicine, Rady Children's Hospital San Diego
Classification: Likely pathogenic for MITOCHONDRIAL COMPLEX I DEFICIENCY, NUCLEAR TYPE 21. Last evaluated: 2024-04-10. Review status: criteria provided, single submitter. Criteria: ACMG Guidelines, 2015. Collection method: clinical testing. Allele origin: germline. Affected: yes.
Comment: This out-of-frame deletion of approximately 6.2 KB located at 14q12 (chr14:32317254-32323465x1) encompasses exon 10 of 11 of the NUBPL gene. The resulting mRNA is predicted to escape nonsense-mediated decay. A partial deletion of smaller size in the NUBPL gene has been previously reported in the compound heterozygous state in an individual with mitochondrial complex I deficiency, nuclear type 21 (PMID: 20818383). This variant has not been observed at a significant frequency in the Database of Genomic Variants or gnomAD SVs and thus is presumed to be rare. Similar deletions of exon 10 in NUBPL have been reported in the ClinVar database (Variation ID: 2426926, 2577163). Based on the available evidence, this deletion is classified as Likely Pathogenic.

GRCh37/hg19 14q12(chr14:32317254-32323465)x1

Gene: NUBPL (NUBP iron-sulfur cluster assembly factor, mitochondrial; plus strand). Cytogenetic location: 14q12.
Variant type: copy number loss.
Change: copy number 1 (one copy instead of two) of chr14:32,317,254-32,323,465 (6.2 kb, GRCh37 coordinates, 1-based), cytogenetic band 14q12.
Identifiers: ClinVar variation 3899261 (VCV003899261.1).